The following is an entry in ClinVar:

ClinVar aggregate classification (germline): Benign. Review status: criteria provided, multiple submitters, no conflicts (2 of 4 stars). 3 submissions from 3 submitters: Benign (2). 1 of the submissions does not count toward it. Last evaluated 2026-02-03.

Conditions:
ARHGEF10-related disorder. Also called: ARHGEF10-related condition.

Allele frequency attached by ClinVar (database versions not stated): gnomAD exomes 0.15965 and 0.13372; 1000 Genomes Project 0.21506; gnomAD 0.18577 and 0.18307; 1000 Genomes Project 30x 0.21408; ESP Exome Variant Server 0.18392; TOPMed 0.19521; ExAC 0.16192.
gnomAD v4.1: 223,361 of 1,613,230 alleles (14%); highest among the groups gnomAD compares: African/African-American, 31%; 17,323 homozygotes.

Submissions (3):

Labcorp Genetics (formerly Invitae), Labcorp
Classification: Benign. Last evaluated: 2026-02-03. Review status: criteria provided, single submitter. Criteria: Invitae Variant Classification Sherloc (09022015). Collection method: clinical testing. Allele origin: germline.

Breakthrough Genomics
Classification: Benign. Review status: criteria provided, single submitter. Criteria: ACMG Guidelines, 2015. Collection method: not provided. Allele origin: germline. Inheritance: Autosomal dominant inheritance. Affected: yes.

PreventionGenetics, part of Exact Sciences
Classification: Benign for ARHGEF10-related condition. Last evaluated: 2019-03-18. Review status: no assertion criteria provided. Collection method: clinical testing. Allele origin: germline. Not counted in ClinVar's aggregate classification.
Comment: This variant is classified as benign based on ACMG/AMP sequence variant interpretation guidelines (Richards et al. 2015 PMID: 25741868, with internal and published modifications).

NM_014629.4(ARHGEF10):c.3438C>T (p.His1146=)

Gene: ARHGEF10 (Rho guanine nucleotide exchange factor 10; plus strand). Cytogenetic location: 8p23.3.
Variant type: single nucleotide variant.
Coding change: c.3438C>T on transcript NM_014629.4 (MANE Select); coding-DNA position 3438, C replaced by T.
Protein change: p.His1146=; no amino-acid change (histidine 1146 retained).
Molecular consequence: synonymous variant.
Genome position (GRCh38, 1-based): chr8:1,952,745, C>T. VCF-style: chr8-1952745-C-T. GRCh37 (hg19) VCF-style: chr8-1900911-C-T.
Other names: c.3324C>T, p.His1108= (NM_001308152.2); c.3438C>T, p.His1146= (NM_001308153.3).
Identifiers: ClinVar variation 1599731 (VCV001599731.11), dbSNP rs2272608, ClinGen allele CA4601379.